The following is an entry in ClinVar:

ClinVar aggregate classification (germline): Pathogenic/Likely pathogenic. Review status: criteria provided, multiple submitters, no conflicts (2 of 4 stars). 3 submissions from 3 submitters: Pathogenic (2); Likely pathogenic (1). Last evaluated 2025-07-21.

Conditions:
Primary ciliary dyskinesia. Also called: Ciliary dyskinesia. Identifiers: Orphanet 244, MedGen C0008780, MONDO:0016575, HP:0012265.
Primary ciliary dyskinesia 3. Identifiers: Orphanet 244, MedGen C1837618, MONDO:0012085, OMIM 608644.

Allele frequency attached by ClinVar (database versions not stated): gnomAD exomes below 0.00001.
gnomAD v4.1: 1 of 1,613,694 alleles (0.000062%); highest among the groups gnomAD compares: Admixed American, 0.0017%; no homozygotes.

Submissions (3):

Natera, Inc.
Classification: Pathogenic for Primary ciliary dyskinesia. Last evaluated: 2025-07-21. Review status: criteria provided, single submitter. Criteria: Natera Variant Classification Schema (03/2026). Collection method: clinical testing. Allele origin: germline.
Comment: The c.8848G>T variant in DNAH5 is a nonsense variant predicted to introduce a stop codon at amino acid 2950. This variant is expected to result in nonsense mediated decay, truncation, or a dysfunctional protein product. This variant is rare in the general population with a frequency below the threshold expected for the associated phenotype(s). This variant has been observed in one or more individuals affected with the associated recessive disease, as either homozygous or compound heterozygous with a second variant (PMID: 33760720). Given the available evidence, this variant is classified as Pathogenic.

Fulgent Genetics
Classification: Likely pathogenic for Primary ciliary dyskinesia 3. Last evaluated: 2024-03-12. Review status: criteria provided, single submitter. Criteria: ACMG Guidelines, 2015. Collection method: clinical testing. Allele origin: germline.

Labcorp Genetics (formerly Invitae), Labcorp
Classification: Pathogenic for Primary ciliary dyskinesia. Last evaluated: 2023-05-05. Review status: criteria provided, single submitter. Criteria: Invitae Variant Classification Sherloc (09022015). Collection method: clinical testing. Allele origin: germline.
Comment: For these reasons, this variant has been classified as Pathogenic. This variant has not been reported in the literature in individuals affected with DNAH5-related conditions. This variant is present in population databases (no rsID available, gnomAD 0.003%). This sequence change creates a premature translational stop signal (p.Gly2950*) in the DNAH5 gene. It is expected to result in an absent or disrupted protein product. Loss-of-function variants in DNAH5 are known to be pathogenic (PMID: 11788826, 16627867).

Literature cited by the submitters: PubMed 33760720 (cited by Natera, Inc.); PubMed 11788826 (cited by Labcorp Genetics (formerly Invitae), Labcorp); PubMed 16627867 (cited by Labcorp Genetics (formerly Invitae), Labcorp).

NM_001369.3(DNAH5):c.8848G>T (p.Gly2950Ter)

Gene: DNAH5 (dynein axonemal heavy chain 5; minus strand). Cytogenetic location: 5p15.2.
Variant type: single nucleotide variant.
Coding change: c.8848G>T on transcript NM_001369.3 (MANE Select); coding-DNA position 8848, G replaced by T.
Protein change: p.Gly2950Ter; replaces glycine 2950 with a stop codon.
Molecular consequence: nonsense.
Genome position (GRCh38, 1-based): chr5:13,780,932, C>A on the plus strand (G>T on the coding strand, the complement: DNAH5 is on the minus strand). VCF-style: chr5-13780932-C-A. GRCh37 (hg19) VCF-style: chr5-13781041-C-A.
Other names: c.8848G>T (NM_001369.2); short protein forms G2950*.
Identifiers: ClinVar variation 2844734 (VCV002844734.5), dbSNP rs1338867680, ClinGen allele CA359212909.